The following is an entry in ClinVar:

ClinVar aggregate classification (germline): Uncertain significance (1 of 4 stars; one submission).

Conditions:
ABCB4-related disorder. Also called: ABCB4-related disorders; ABCB4-related condition.

gnomAD v4.1: 55 of 1,614,028 alleles (0.0034%); highest among the groups gnomAD compares: Non-Finnish European, 0.0042%; no homozygotes.

Submission:

PreventionGenetics, part of Exact Sciences
Classification: Uncertain significance for ABCB4-related condition. Last evaluated: 2025-04-20. Review status: criteria provided, single submitter. Criteria: ACMG Guidelines, 2015. Collection method: clinical testing. Allele origin: germline.
Comment: The ABCB4 c.669C>G variant is predicted to result in the amino acid substitution p.Ile223Met. To our knowledge, this variant has not been reported in the literature. This variant is reported in 0.0044% of alleles in individuals of European (Non-Finnish) descent in gnomAD. At this time, the clinical significance of this variant is uncertain due to the absence of conclusive functional and genetic evidence.

NM_000443.4(ABCB4):c.669C>G (p.Ile223Met)

Gene: ABCB4 (ATP binding cassette subfamily B member 4; minus strand). Cytogenetic location: 7q21.12.
Variant type: single nucleotide variant.
Coding change: c.669C>G on transcript NM_000443.4 (MANE Select); coding-DNA position 669, C replaced by G.
Protein change: p.Ile223Met; replaces isoleucine 223 with methionine.
Molecular consequence: missense variant.
Genome position (GRCh38, 1-based): chr7:87,451,662, G>C on the plus strand (C>G on the coding strand, the complement: ABCB4 is on the minus strand). VCF-style: chr7-87451662-G-C. GRCh37 (hg19) VCF-style: chr7-87080978-G-C.
Other names: c.669C>G, p.Ile223Met (NM_018849.3, NM_018850.3); short protein forms I223M.
Identifiers: ClinVar variation 4988324 (VCV004988324.1).
Genomic context (GRCh38, chr7:87,451,662, plus strand): 5'-AAAGGCCCAGCTTTCACATACCTTTGCCCAAACGGCTGCAGAGAGTCCTAGAATAGGGCT[G>C]ATGGCCATTATCACAAGGGTGAGCTTCCATCCTCTGATGAATCCCACTATGAATCCTGCA-3'
Protein context (NP_000434.1, residues 213-233): GWKLTLVIMA[Ile223Met]SPILGLSAAV